The following is an entry in ClinVar:

NM_004360.5(CDH1):c.859A>G (p.Thr287Ala)

Gene: CDH1 (cadherin 1; plus strand). Cytogenetic location: 16q22.1.
Variant type: single nucleotide variant.
Coding change: c.859A>G on transcript NM_004360.5 (MANE Select); coding-DNA position 859, A replaced by G.
Protein change: p.Thr287Ala; replaces threonine 287 with alanine.
Molecular consequence: missense variant. On other transcripts: 5 prime UTR variant (2).
Genome position (GRCh38, 1-based): chr16:68,811,710, A>G. VCF-style: chr16-68811710-A-G. GRCh37 (hg19) VCF-style: chr16-68845613-A-G.
Other names: c.859A>G, p.Thr287Ala (NM_001317184.2); c.-757A>G (NM_001317185.2); c.-961A>G (NM_001317186.2); short protein forms T287A.
Identifiers: ClinVar variation 2122436 (VCV002122436.4), dbSNP rs2152131919, ClinGen allele CA396459589.

ClinVar aggregate classification (germline): Uncertain significance (1 of 4 stars; one submission).

Conditions:
Hereditary diffuse gastric adenocarcinoma (HDGC). Also called: DIFFUSE GASTRIC AND LOBULAR BREAST CANCER SYNDROME. Identifiers: Orphanet 26106, MedGen C1708349, MONDO:0007648, OMIM 137215.

Submission:

Labcorp Genetics (formerly Invitae), Labcorp
Classification: Uncertain significance for Hereditary diffuse gastric adenocarcinoma. Last evaluated: 2022-04-07. Review status: criteria provided, single submitter. Criteria: Invitae Variant Classification Sherloc (09022015). Collection method: clinical testing. Allele origin: germline.
Comment: Algorithms developed to predict the effect of missense changes on protein structure and function (SIFT, PolyPhen-2, Align-GVGD) all suggest that this variant is likely to be disruptive. This variant has not been reported in the literature in individuals affected with CDH1-related conditions. This variant is not present in population databases (gnomAD no frequency). This sequence change replaces threonine, which is neutral and polar, with alanine, which is neutral and non-polar, at codon 287 of the CDH1 protein (p.Thr287Ala). In summary, the available evidence is currently insufficient to determine the role of this variant in disease. Therefore, it has been classified as a Variant of Uncertain Significance.